The following is an entry in ClinVar:

NM_002764.4(PRPS1):c.611G>A (p.Arg204His)

Gene: PRPS1 (phosphoribosyl pyrophosphate synthetase 1; plus strand). Cytogenetic location: Xq22.3.
Variant type: single nucleotide variant.
Coding change: c.611G>A on transcript NM_002764.4 (MANE Select); coding-DNA position 611, G replaced by A.
Protein change: p.Arg204His; replaces arginine 204 with histidine.
Molecular consequence: missense variant. On other transcripts: 5 prime UTR variant (1).
Genome position (GRCh38, 1-based): chrX:107,645,257, G>A. VCF-style: chrX-107645257-G-A. GRCh37 (hg19) VCF-style: chrX-106888487-G-A.
Other names: c.-2G>A (NM_001204402.2); short protein forms R204H.
Identifiers: ClinVar variation 1057937 (VCV001057937.8), dbSNP rs1169615098, ClinGen allele CA413812066.
Genomic context (GRCh38, chrX:107,645,257, plus strand): 5'-GGCTGAATGTGGACTTTGCCTTGATTCACAAAGAACGGAAGAAGGCCAATGAAGTGGACC[G>A]CATGGTGCTTGTGGGAGATGTGAAGGATCGGGTGGCCATCCTTGTGGATGACATGGCTGA-3'
Protein context (NP_002755.1, residues 194-214): KERKKANEVD[Arg204His]MVLVGDVKDR

ClinVar aggregate classification (germline): Uncertain significance. Review status: criteria provided, multiple submitters, no conflicts (2 of 4 stars). 4 submissions from 4 submitters: Uncertain significance (4). Last evaluated 2025-01-22.

Conditions:
Charcot-Marie-Tooth Neuropathy X. Identifiers: MedGen CN118851.
Arts syndrome (ARTS). Also called: MENTAL RETARDATION, X-LINKED, SYNDROMIC 18; MENTAL RETARDATION, X-LINKED, SYNDROMIC, ARTS TYPE; ARTS SYNDROME AND PHOSPHORIBOSYLPYROPHOSPHATE SYNTHETASE SUPERACTIVITY. Identifiers: Orphanet 1187, MedGen C0796028, MONDO:0010533, OMIM 301835.
Phosphoribosylpyrophosphate synthetase superactivity. Identifiers: Orphanet 3222, MedGen C1970827, MONDO:0010395, OMIM 300661.
Hearing loss, X-linked 1 (DFNX1). Also called: DFNX1 Nonsyndromic Hearing Loss and Deafness; DFNX1 Nonsyndromic Sensorineural Hearing Loss (DFN2); DEAFNESS, X-LINKED 1; DEAFNESS, X-LINKED 2, SENSORINEURAL CONGENITAL. Identifiers: Orphanet 90625, MedGen C1844677, MONDO:0010577, OMIM 304500.
Charcot-Marie-Tooth disease X-linked recessive 5 (CMTX5). Also called: Charcot-Marie-Tooth Neuropathy X Type 5 (CMTX5); Optic atrophy, neural deafness, and distal neurogenic amyotrophy; OPTIC ATROPHY, POLYNEUROPATHY, AND DEAFNESS; ROSENBERG-CHUTORIAN SYNDROME. Identifiers: Orphanet 99014, MedGen C1839566, MONDO:0010699, OMIM 311070.

Allele frequency attached by ClinVar (database versions not stated): TOPMed below 0.00001; gnomAD exomes 0.00001; gnomAD 0.00003.
gnomAD v4.1: 14 of 1,210,713 alleles (0.0012%); highest among the groups gnomAD compares: Admixed American, 0.017%; no homozygotes.

Submissions (4):

GeneDx
Classification: Uncertain significance. Last evaluated: 2025-01-22. Review status: criteria provided, single submitter. Criteria: GeneDx Variant Classification Process June 2021. Collection method: clinical testing. Allele origin: germline.
Comment: Not observed at significant frequency in large population cohorts (gnomAD); In silico analysis supports that this missense variant has a deleterious effect on protein structure/function; This variant is associated with the following publications: (PMID: 31906484)

Labcorp Genetics (formerly Invitae), Labcorp
Classification: Uncertain significance for Charcot-Marie-Tooth Neuropathy X. Last evaluated: 2024-11-25. Review status: criteria provided, single submitter. Criteria: Invitae Variant Classification Sherloc (09022015). Collection method: clinical testing. Allele origin: germline.
Comment: This sequence change replaces arginine, which is basic and polar, with histidine, which is basic and polar, at codon 204 of the PRPS1 protein (p.Arg204His). This variant is not present in population databases (gnomAD no frequency). This missense change has been observed in individual(s) with intellectual disability (PMID: 31906484). ClinVar contains an entry for this variant (Variation ID: 1057937). Invitae Evidence Modeling of protein sequence and biophysical properties (such as structural, functional, and spatial information, amino acid conservation, physicochemical variation, residue mobility, and thermodynamic stability) indicates that this missense variant is not expected to disrupt PRPS1 protein function with a negative predictive value of 80%. In summary, the available evidence is currently insufficient to determine the role of this variant in disease. Therefore, it has been classified as a Variant of Uncertain Significance.

Blueprint Genetics
Classification: Uncertain significance. Last evaluated: 2022-10-12. Review status: criteria provided, single submitter. Criteria: ACMG Guidelines, 2015. Collection method: clinical testing. Allele origin: germline.

Fulgent Genetics
Classification: Uncertain significance for Phosphoribosylpyrophosphate synthetase superactivity; Arts syndrome; Hearing loss, X-linked 1; Charcot-Marie-Tooth disease X-linked recessive 5. Last evaluated: 2021-12-15. Review status: criteria provided, single submitter. Criteria: ACMG Guidelines, 2015. Collection method: clinical testing. Allele origin: unknown.

Literature cited by the submitters: PubMed 31906484 (cited by Labcorp Genetics (formerly Invitae), Labcorp).